The following is an entry in ClinVar:

ClinVar aggregate classification (germline): Uncertain significance (1 of 4 stars; one submission).

Conditions:
Disseminated atypical mycobacterial infection. Identifiers: MedGen C0694566.

Submission:

Labcorp Genetics (formerly Invitae), Labcorp
Classification: Uncertain significance for Disseminated atypical mycobacterial infection. Last evaluated: 2021-05-26. Review status: criteria provided, single submitter. Criteria: Invitae Variant Classification Sherloc (09022015). Collection method: clinical testing. Allele origin: germline.
Comment: In summary, the available evidence is currently insufficient to determine the role of this variant in disease. Therefore, it has been classified as a Variant of Uncertain Significance. Algorithms developed to predict the effect of missense changes on protein structure and function output the following: SIFT: "Tolerated"; PolyPhen-2: "Benign"; Align-GVGD: "Class C0". The proline amino acid residue is found in multiple mammalian species, suggesting that this missense change does not adversely affect protein function. These predictions have not been confirmed by published functional studies and their clinical significance is uncertain. This variant has not been reported in the literature in individuals with IFNGR1-related conditions. This variant is not present in population databases (ExAC no frequency). This sequence change replaces serine with proline at codon 428 of the IFNGR1 protein (p.Ser428Pro). The serine residue is moderately conserved and there is a moderate physicochemical difference between serine and proline.

NM_000416.3(IFNGR1):c.1282T>C (p.Ser428Pro)

Gene: IFNGR1 (interferon gamma receptor 1; minus strand). Cytogenetic location: 6q23.3.
Variant type: single nucleotide variant.
Coding change: c.1282T>C on transcript NM_000416.3 (MANE Select); coding-DNA position 1282, T replaced by C.
Protein change: p.Ser428Pro; replaces serine 428 with proline.
Molecular consequence: missense variant.
Genome position (GRCh38, 1-based): chr6:137,198,219, A>G on the plus strand (T>C on the coding strand, the complement: IFNGR1 is on the minus strand). VCF-style: chr6-137198219-A-G. GRCh37 (hg19) VCF-style: chr6-137519356-A-G.
Other names: c.1252T>C, p.Ser418Pro (NM_001363526.1); c.1159T>C, p.Ser387Pro (NM_001363527.1); short protein forms S418P, S387P, S428P.
Identifiers: ClinVar variation 1447420 (VCV001447420.8), dbSNP rs2114441810, ClinGen allele CA365772283.